The following is an entry in ClinVar:

NM_001429.4(EP300):c.4642G>C (p.Ala1548Pro)

Gene: EP300 (E1A binding protein p300; plus strand). Cytogenetic location: 22q13.2.
Variant type: single nucleotide variant.
Coding change: c.4642G>C on transcript NM_001429.4 (MANE Select); coding-DNA position 4642, G replaced by C.
Protein change: p.Ala1548Pro; replaces alanine 1548 with proline.
Molecular consequence: missense variant.
Genome position (GRCh38, 1-based): chr22:41,173,647, G>C. VCF-style: chr22-41173647-G-C. GRCh37 (hg19) VCF-style: chr22-41569651-G-C.
Other names: c.4564G>C, p.Ala1522Pro (NM_001362843.2); short protein forms A1522P, A1548P.
Identifiers: ClinVar variation 3341316 (VCV003341316.1).
Genomic context (GRCh38, chr22:41,173,647, plus strand): 5'-ACCTTATTTTCTTGTCTCCTTTGTGCTACTCTGCAGGTGACCAAGGGAGACAGCAAAAAT[G>C]CTAAAAAGAAGAATAATAAGAAAACCAGCAAAAATAAGAGCAGCCTGAGTAGGGGCAACA-3'
Protein context (NP_001420.2, residues 1538-1558): TDVTKGDSKN[Ala1548Pro]KKKNNKKTSK

ClinVar aggregate classification (germline): Uncertain significance (1 of 4 stars; one submission).

Conditions:
Menke-Hennekam syndrome 2 (MKHK2). Identifiers: MedGen C5193035, MONDO:0020769, OMIM 618333.

Submission:

Neuberg Centre For Genomic Medicine, NCGM
Classification: Uncertain significance for Menke-Hennekam syndrome 2. Last evaluated: 2023-05-20. Review status: criteria provided, single submitter. Criteria: ACMG Guidelines, 2015. Collection method: clinical testing. Allele origin: germline. Inheritance: Autosomal dominant inheritance. Affected: yes.
Comment: The observed missense variant c.4642G>C(p.Ala1548Pro) in EP300 gene has not been reported previously as a pathogenic variant nor as a benign variant, to our knowledge. The c.4642G>C variant is absent in gnomAD Exomes. The amino acid Alanine at position 1548 is changed to a Proline changing protein sequence and it might alter its composition and physico-chemical properties. Multiple lines of computational evidence (Polyphen, SIFT and Mutation Taster) predict a damaging effect on protein structure and function for this variant. The amino acid change p.Ala1548Pro in EP300 is predicted as conserved by GERP++ and PhyloP across 100 vertebrates. For these reasons, this variant has been classified as Uncertain Significance.